The following is an entry in ClinVar:

NM_194248.3(OTOF):c.2438G>A (p.Arg813Gln)

Gene: OTOF (otoferlin; minus strand). Cytogenetic location: 2p23.3.
Variant type: single nucleotide variant.
Coding change: c.2438G>A on transcript NM_194248.3 (MANE Select); coding-DNA position 2438, G replaced by A.
Protein change: p.Arg813Gln; replaces arginine 813 with glutamine.
Molecular consequence: missense variant.
Genome position (GRCh38, 1-based): chr2:26,477,257, C>T on the plus strand (G>A on the coding strand, the complement: OTOF is on the minus strand). VCF-style: chr2-26477257-C-T. GRCh37 (hg19) VCF-style: chr2-26700125-C-T.
Other names: c.2438G>A, p.Arg813Gln (NM_001287489.2); c.197G>A, p.Arg66Gln (NM_004802.4, NM_194323.3); c.368G>A, p.Arg123Gln (NM_194322.3); short protein forms R66Q, R813Q, R123Q.
Identifiers: ClinVar variation 805105 (VCV000805105.6), dbSNP rs767282723, ClinGen allele CA1563898.
Genomic context (GRCh38, chr2:26,477,257, plus strand): 5'-TGCAGGAAGTTCTGGCACAGCCTCAGCTTGTCCCGCACCGTGTGCCGCTTCACCTGGGCC[C>T]GCAGCATCCTGGCCTGCTGCCCCATGTTTTCCTGCGAAGGAGGGGGTGTCAGTGAACCCA-3'
Protein context (NP_919224.1, residues 803-823): ENMGQQARML[Arg813Gln]AQVKRHTVRD

ClinVar aggregate classification (germline): Uncertain significance. Review status: criteria provided, multiple submitters, no conflicts (2 of 4 stars). 4 submissions from 4 submitters: Uncertain significance (3). 1 of the submissions does not count toward it. Last evaluated 2025-08-05.

Conditions:
Auditory neuropathy spectrum disorder. Identifiers: MedGen C2732267.
Autosomal recessive nonsyndromic hearing loss 9. Also called: Deafness, autosomal recessive 9; OTOF-Related Hearing Loss; NEUROSENSORY NONSYNDROMIC RECESSIVE DEAFNESS 9; AUDITORY NEUROPATHY, AUTOSOMAL RECESSIVE, 1, TEMPERATURE-SENSITIVE. Identifiers: Orphanet 90636, MedGen C1832828, MONDO:0010986, OMIM 601071.

Allele frequency attached by ClinVar (database versions not stated): gnomAD 0.00001; gnomAD exomes 0.00001; ExAC 0.00001; TOPMed 0.00002.
gnomAD v4.1: 12 of 1,609,006 alleles (0.00075%); highest among the groups gnomAD compares: Middle Eastern, 0.016%; no homozygotes.

Submissions (4):

Dasa
Classification: Uncertain significance. Last evaluated: 2025-08-05. Review status: criteria provided, single submitter. Criteria: DASA Assertion Criteria. Collection method: clinical testing. Allele origin: germline.
Comment: NM_194248.3(OTOF):c.2438G>A (p.Arg813Gln) is a missense variant that results in the substitution of arginine with glutamine. This variant is rare in population databases. The currently available literature and clinical evidence are not sufficient to establish a definitive association between this variant and the reported condition. Therefore, this variant is classified as a variant of uncertain significance.

Department of Pathology and Laboratory Medicine, Sinai Health System
Classification: Uncertain significance for Autosomal recessive nonsyndromic hearing loss 9. Last evaluated: 2020-08-19. Review status: criteria provided, single submitter. Criteria: ACMG Guidelines, 2015. Collection method: research. Allele origin: germline.

Athena Diagnostics
Classification: Uncertain significance. Last evaluated: 2019-05-06. Review status: criteria provided, single submitter. Criteria: Athena Diagnostics Criteria. Collection method: clinical testing. Allele origin: germline.

Department of Otolaryngology, Head and Neck Surgery, Beijing Friendship Hospital, Capital Medical University
Classification: Pathogenic for Auditory neuropathy spectrum disorder. Last evaluated: 2020-03-05. Review status: no assertion criteria provided. Collection method: clinical testing. Allele origin: inherited. Inheritance: Autosomal recessive inheritance. Affected: yes. Not counted in ClinVar's aggregate classification.